The following is an entry in ClinVar:

ClinVar aggregate classification (germline): Likely pathogenic (1 of 4 stars; one submission).

Conditions:
Duchenne muscular dystrophy (DMD). Also called: Duchenne Muscular Dystrophy (DMD); MUSCULAR DYSTROPHY, PSEUDOHYPERTROPHIC PROGRESSIVE, DUCHENNE TYPE. Identifiers: Orphanet 98896, MedGen C0013264, MONDO:0010679, OMIM 310200.

Submission:

Labcorp Genetics (formerly Invitae), Labcorp
Classification: Likely pathogenic for Duchenne muscular dystrophy. Last evaluated: 2019-11-13. Review status: criteria provided, single submitter. Criteria: Invitae Variant Classification Sherloc (09022015). Collection method: clinical testing. Allele origin: germline.
Comment: This variant results in a copy number gain of the genomic region encompassing exons 18-20 of the DMD gene. While the exact position of this variant cannot be determined from this data, sub-genic copy number gains are generally in tandem (PMID: 25640679) and may result in an absent or disrupted protein product. This variant has not been reported in the literature in individuals with DMD-related conditions. Loss-of-function variants in DMD are known to be pathogenic (PMID: 16770791, 25007885). In summary, the currently available evidence indicates that the variant is pathogenic, but additional data are needed to prove that conclusively. Therefore, this variant has been classified as Likely Pathogenic.

NC_000023.11:g.(?_32491267)_(32518150_?)dup

Gene: DMD (dystrophin; minus strand). Cytogenetic location: Xp21.1.
Variant type: Duplication.
Identifiers: ClinVar variation 833274 (VCV000833274.1).